The following is an entry in ClinVar:

ClinVar aggregate classification (germline): Likely benign (1 of 4 stars; one submission).

gnomAD v4.1: 1 of 1,613,196 alleles (0.000062%); highest among the groups gnomAD compares: Non-Finnish European, 0.000085%; no homozygotes.

Submission:

CeGaT Center for Human Genetics Tuebingen
Classification: Likely benign. Last evaluated: 2026-05-01. Review status: criteria provided, single submitter. Criteria: CeGaT Center For Human Genetics Tuebingen Variant Classification Criteria Version 2. Collection method: clinical testing. Allele origin: germline. Affected: yes. Observed: 1 variant allele.
Comment: KIF19: BP4, BP7

NM_153209.4(KIF19):c.1896C>G (p.Leu632=)

Gene: KIF19 (kinesin family member 19; plus strand). Cytogenetic location: 17q25.1.
Variant type: single nucleotide variant.
Coding change: c.1896C>G on transcript NM_153209.4 (MANE Select); coding-DNA position 1896, C replaced by G.
Protein change: p.Leu632=; no amino-acid change (leucine 632 retained).
Molecular consequence: synonymous variant.
Genome position (GRCh38, 1-based): chr17:74,352,256, C>G. VCF-style: chr17-74352256-C-G. GRCh37 (hg19) VCF-style: chr17-72348395-C-G.
Identifiers: ClinVar variation 4873836 (VCV004873836.2).